The following is an entry in ClinVar:

ClinVar aggregate classification (germline): Uncertain significance (1 of 4 stars; one submission).

Conditions:
Inborn genetic diseases. Identifiers: MedGen C0950123, MeSH D030342.

gnomAD v4.1: 11 of 1,614,082 alleles (0.00068%); highest among the groups gnomAD compares: Admixed American, 0.0017%; no homozygotes.

Submission:

Ambry Genetics
Classification: Uncertain significance for Inborn genetic diseases. Last evaluated: 2026-02-19. Review status: criteria provided, single submitter. Criteria: Ambry Variant Classification Scheme 2023. Collection method: clinical testing. Allele origin: germline.
Comment: The p.D5G variant (also known as c.14A>G) is located in coding exon 2 of the FUS gene. The aspartic acid at codon 5 is replaced by glycine, an amino acid with similar properties. This change occurs in the first base pair of coding exon 2. This amino acid position is conserved. In addition, the in silico prediction for this alteration is inconclusive. Based on the available evidence, the clinical significance of this variant remains unclear.

NM_004960.4(FUS):c.14A>G (p.Asp5Gly)

Gene: FUS (FUS RNA binding protein; plus strand). Cytogenetic location: 16p11.2.
Variant type: single nucleotide variant.
Coding change: c.14A>G on transcript NM_004960.4 (MANE Select); coding-DNA position 14, A replaced by G.
Protein change: p.Asp5Gly; replaces aspartic acid 5 with glycine.
Molecular consequence: missense variant. On other transcripts: non-coding transcript variant (1).
Genome position (GRCh38, 1-based): chr16:31,182,398, A>G. VCF-style: chr16-31182398-A-G. GRCh37 (hg19) VCF-style: chr16-31193719-A-G.
Other names: c.14A>G, p.Asp5Gly (NM_001170634.1, NM_001170937.1); short protein forms D5G.
Identifiers: ClinVar variation 4824104 (VCV004824104.1).